The following is an entry in ClinVar:

NM_001267550.2(TTN):c.24013G>C (p.Glu8005Gln)

Gene: TTN (titin; minus strand). Cytogenetic location: 2q31.2.
Variant type: single nucleotide variant.
Coding change: c.24013G>C on transcript NM_001267550.2 (MANE Select); coding-DNA position 24013, G replaced by C.
Protein change: p.Glu8005Gln; replaces glutamic acid 8005 with glutamine.
Molecular consequence: missense variant. On other transcripts: intron variant (3).
Genome position (GRCh38, 1-based): chr2:178,719,377, C>G on the plus strand (G>C on the coding strand, the complement: TTN is on the minus strand). VCF-style: chr2-178719377-C-G. GRCh37 (hg19) VCF-style: chr2-179584104-C-G.
Other names: c.23062G>C, p.Glu7688Gln (NM_001256850.1); c.20281G>C, p.Glu6761Gln (NM_133378.4); c.13282+18705G>C (NM_003319.4); c.13858+18705G>C (NM_133437.4); c.13657+18705G>C (NM_133432.3); short protein forms E8005Q, E6761Q, E7688Q.
Identifiers: ClinVar variation 466929 (VCV000466929.9), dbSNP rs757042397, ClinGen allele CA2000516.

ClinVar aggregate classification (germline): Conflicting classifications of pathogenicity. Review status: criteria provided, conflicting classifications (1 of 4 stars). 6 submissions from 6 submitters: Uncertain significance (4); Likely benign (2). Last evaluated 2025-05-18.

Conditions:
TTN-related disorder. Also called: TTN-related condition; TTN-related disease; TTN-related disorders.
Autosomal recessive limb-girdle muscular dystrophy type 2J (LGMDR10). Also called: Limb-girdle muscular dystrophy, type 2J; MUSCULAR DYSTROPHY, LIMB-GIRDLE, AUTOSOMAL RECESSIVE 10. Identifiers: Orphanet 140922, MedGen C1837342, MONDO:0012127, OMIM 608807.
Dilated cardiomyopathy 1G (CMD1G). Identifiers: Orphanet 154, MedGen C1858763, MONDO:0011400, OMIM 604145.
Hypertrophic cardiomyopathy 9. Also called: Familial hypertrophic cardiomyopathy 9. Identifiers: MedGen C1861065, MONDO:0013412, OMIM 613765.
Myopathy, myofibrillar, 9, with early respiratory failure (MFM9). Also called: Hereditary myopathy with early respiratory failure; MYOPATHY, PROXIMAL, WITH EARLY RESPIRATORY MUSCLE INVOLVEMENT; EDSTROM MYOPATHY; Myopathy, distal, with early respiratory failure, autosomal dominant. Identifiers: Orphanet 178464, Orphanet 34521, MedGen C1863599, MONDO:0011362, OMIM 603689.
Tibial muscular dystrophy (TMD). Also called: Udd Distal Myopathy – Tibial Muscular Dystrophy; UDD MYOPATHY; Tibial muscular dystrophy, tardive. Identifiers: Orphanet 609, MedGen C1838244, MONDO:0010870, OMIM 600334.
Early-onset myopathy with fatal cardiomyopathy (CMYO5). Also called: Salih Myopathy; CONGENITAL MYOPATHY 5 WITH CARDIOMYOPATHY. Identifiers: Orphanet 289377, MedGen C2673677, MONDO:0012714, OMIM 611705. Disease mechanism: loss of function.
Cardiomyopathy (CMYO). Also called: Cardiomyopathies. Identifiers: Orphanet 167848, MedGen C0878544, MONDO:0004994, HP:0001638. Inheritance: Various modes of inheritance.

Allele frequency attached by ClinVar (database versions not stated): ExAC 0.00001; gnomAD 0.00001; gnomAD exomes 0.00001 and 0.00003; TOPMed 0.00001.
gnomAD v4.1: 48 of 1,613,590 alleles (0.003%); highest among the groups gnomAD compares: Non-Finnish European, 0.004%; no homozygotes.

Submissions (6):

PreventionGenetics, part of Exact Sciences
Classification: Uncertain significance for TTN-related condition. Last evaluated: 2025-05-18. Review status: criteria provided, single submitter. Criteria: ACMG Guidelines, 2015. Collection method: clinical testing. Allele origin: germline.
Comment: The TTN c.24013G>C variant is predicted to result in the amino acid substitution p.Glu8005Gln. To our knowledge, this variant has not been reported in the literature. This variant is reported in 0.0027% of alleles in individuals of European (Non-Finnish) descent in gnomAD. At this time, the clinical significance of this variant is uncertain due to the absence of conclusive functional and genetic evidence.

Molecular Diagnostic Laboratory for Inherited Cardiovascular Disease, Montreal Heart Institute
Classification: Likely benign. Last evaluated: 2025-04-09. Review status: criteria provided, single submitter. Criteria: ACMG Guidelines, 2015. Collection method: clinical testing. Allele origin: germline. Affected: no.

CHEO Genetics Diagnostic Laboratory, Children's Hospital of Eastern Ontario
Classification: Likely benign for Cardiomyopathy. Last evaluated: 2023-05-16. Review status: criteria provided, single submitter. Criteria: ACMG Guidelines, 2015. Collection method: clinical testing. Allele origin: germline.

Fulgent Genetics
Classification: Uncertain significance for Tibial muscular dystrophy; Myopathy, myofibrillar, 9, with early respiratory failure; Dilated cardiomyopathy 1G; Autosomal recessive limb-girdle muscular dystrophy type 2J; Early-onset myopathy with fatal cardiomyopathy; Hypertrophic cardiomyopathy 9. Last evaluated: 2021-07-28. Review status: criteria provided, single submitter. Criteria: ACMG Guidelines, 2015. Collection method: clinical testing. Allele origin: unknown.

Revvity Omics, Revvity
Classification: Uncertain significance. Last evaluated: 2019-08-22. Review status: criteria provided, single submitter. Criteria: ACMG Guidelines, 2015. Collection method: clinical testing. Allele origin: germline.

Labcorp Genetics (formerly Invitae), Labcorp
Classification: Uncertain significance for Dilated cardiomyopathy 1G; Autosomal recessive limb-girdle muscular dystrophy type 2J. Last evaluated: 2017-06-28. Review status: criteria provided, single submitter. Criteria: Invitae Variant Classification Sherloc (09022015). Collection method: clinical testing. Allele origin: germline.